The following is an entry in ClinVar:

NM_012330.4(KAT6B):c.3952C>G (p.Leu1318Val)

Gene: KAT6B (lysine acetyltransferase 6B; plus strand). Cytogenetic location: 10q22.2.
Variant type: single nucleotide variant.
Coding change: c.3952C>G on transcript NM_012330.4 (MANE Select); coding-DNA position 3952, C replaced by G.
Protein change: p.Leu1318Val; replaces leucine 1318 with valine.
Molecular consequence: missense variant.
Genome position (GRCh38, 1-based): chr10:75,028,776, C>G. VCF-style: chr10-75028776-C-G. GRCh37 (hg19) VCF-style: chr10-76788534-C-G.
Other names: c.3403C>G, p.Leu1135Val (NM_001256468.2, NM_001370138.1); c.3076C>G, p.Leu1026Val (NM_001256469.2, NM_001370139.1, NM_001370140.1 and 2 more transcripts); c.2914C>G, p.Leu972Val (NM_001370132.1); c.2263C>G, p.Leu755Val (NM_001370133.1); c.1867C>G, p.Leu623Val (NM_001370134.1); c.1609C>G, p.Leu537Val (NM_001370135.1); c.3952C>G, p.Leu1318Val (NM_001370136.1, NM_001370137.1); c.2887C>G, p.Leu963Val (NM_001370143.1, NM_001370144.1); short protein forms L1026V, L1135V, L1318V, L537V, L623V, L755V, L963V, L972V.
Identifiers: ClinVar variation 1311604 (VCV001311604.2), dbSNP rs140301566, ClinGen allele CA377294776.
Genomic context (GRCh38, chr10:75,028,776, plus strand): 5'-GGAAAAACCAGCCCCAGTCCCATCAGGATTGAGGAGGAGGTCAAGGAAACTGGGGAAGCC[C>G]TGTTGCCTCAAGAGGAAAACAGAAGGGAAGAAACATGTGCCCCTGTAAGTCCAAACACAT-3'
Protein context (NP_036462.2, residues 1308-1328): EEEVKETGEA[Leu1318Val]LPQEENRREE

ClinVar aggregate classification (germline): Uncertain significance (1 of 4 stars; one submission).

Submission:

GeneDx
Classification: Uncertain significance. Last evaluated: 2019-12-30. Review status: criteria provided, single submitter. Criteria: GeneDx Variant Classification Process June 2021. Collection method: clinical testing. Allele origin: germline. Affected: yes.
Comment: Not observed in large population cohorts (Lek et al., 2016); In silico analysis, which includes protein predictors and evolutionary conservation, supports that this variant does not alter protein structure/function; Has not been previously published as pathogenic or benign to our knowledge